The following is an entry in ClinVar:

ClinVar aggregate classification (germline): Likely pathogenic (1 of 4 stars; one submission).

Submission:

Labcorp Genetics (formerly Invitae), Labcorp
Classification: Likely pathogenic. Last evaluated: 2024-02-04. Review status: criteria provided, single submitter. Criteria: Invitae Variant Classification Sherloc (09022015). Collection method: clinical testing. Allele origin: germline.
Comment: This sequence change affects a donor splice site in intron 5 of the SEPSECS gene. It is expected to disrupt RNA splicing. Variants that disrupt the donor or acceptor splice site typically lead to a loss of protein function (PMID: 16199547), and loss-of-function variants in SEPSECS are known to be pathogenic (PMID: 25558065, 25590979, 26115735). This variant is not present in population databases (gnomAD no frequency). Disruption of this splice site has been observed in individual(s) with clinical features of pontocerebellar hypoplasia (PMID: 35155316). Algorithms developed to predict the effect of sequence changes on RNA splicing suggest that this variant may disrupt the consensus splice site. In summary, the currently available evidence indicates that the variant is pathogenic, but additional data are needed to prove that conclusively. Therefore, this variant has been classified as Likely Pathogenic.

Literature cited by the submitters: PubMed 16199547; PubMed 25558065; PubMed 25590979; PubMed 26115735; PubMed 35155316.

NM_016955.4(SEPSECS):c.701+1G>A

Gene: SEPSECS (Sep (O-phosphoserine) tRNA:Sec (selenocysteine) tRNA synthase; minus strand). Cytogenetic location: 4p15.2.
Variant type: single nucleotide variant.
Coding change: c.701+1G>A on transcript NM_016955.4 (MANE Select); the canonical splice donor site of the intron after coding-DNA position 701, G replaced by A.
Molecular consequence: splice donor variant.
Genome position (GRCh38, 1-based): chr4:25,154,997, C>T on the plus strand (G>A on the coding strand, the complement: SEPSECS is on the minus strand). VCF-style: chr4-25154997-C-T. GRCh37 (hg19) VCF-style: chr4-25156619-C-T.
Other names: c.956+1G>A (NM_001410714.1).
Identifiers: ClinVar variation 3609131 (VCV003609131.2).